The following is an entry in ClinVar:

NM_032833.5(PPP1R15B):c.638T>C (p.Ile213Thr)

Gene: PPP1R15B (protein phosphatase 1 regulatory subunit 15B; minus strand). Cytogenetic location: 1q32.1.
Variant type: single nucleotide variant.
Coding change: c.638T>C on transcript NM_032833.5 (MANE Select); coding-DNA position 638, T replaced by C.
Protein change: p.Ile213Thr; replaces isoleucine 213 with threonine.
Molecular consequence: missense variant.
Genome position (GRCh38, 1-based): chr1:204,410,774, A>G on the plus strand (T>C on the coding strand, the complement: PPP1R15B is on the minus strand). VCF-style: chr1-204410774-A-G. GRCh37 (hg19) VCF-style: chr1-204379902-A-G.
Other names: short protein forms I213T.
Identifiers: ClinVar variation 3675607 (VCV003675607.2).
Genomic context (GRCh38, chr1:204,410,774, plus strand): 5'-CTAGGAAAGCAGTCCAGGTAGGAAGGGTTCAGCAAATAGGATACCACACTGAAATTGTCT[A>G]TGCGTTGAATGTTTAGAGGCCCAGAGGGCGAAGAGCCAAGTTCCCGGTTAGAGTACAGAC-3'
Protein context (NP_116222.4, residues 203-223): SPSGPLNIQR[Ile213Thr]DNFSVVSYLL

ClinVar aggregate classification (germline): Uncertain significance (1 of 4 stars; one submission).

Submission:

Labcorp Genetics (formerly Invitae), Labcorp
Classification: Uncertain significance. Last evaluated: 2025-07-07. Review status: criteria provided, single submitter. Criteria: Invitae Variant Classification Sherloc (09022015). Collection method: clinical testing. Allele origin: germline.
Comment: This sequence change replaces isoleucine, which is neutral and non-polar, with threonine, which is neutral and polar, at codon 213 of the PPP1R15B protein (p.Ile213Thr). This variant is present in population databases (rs146203062, gnomAD 0.003%). This variant has not been reported in the literature in individuals affected with PPP1R15B-related conditions. ClinVar contains an entry for this variant (Variation ID: 3675607). Invitae Evidence Modeling of protein sequence and biophysical properties (such as structural, functional, and spatial information, amino acid conservation, physicochemical variation, residue mobility, and thermodynamic stability) indicates that this missense variant is not expected to disrupt PPP1R15B protein function with a negative predictive value of 80%. In summary, the available evidence is currently insufficient to determine the role of this variant in disease. Therefore, it has been classified as a Variant of Uncertain Significance.